The following is an entry in ClinVar:

NM_001018005.2(TPM1):c.204G>A (p.Gln68=)

Gene: TPM1 (tropomyosin 1; plus strand). Cytogenetic location: 15q22.2.
Variant type: single nucleotide variant.
Coding change: c.204G>A on transcript NM_001018005.2 (MANE Select); coding-DNA position 204, G replaced by A.
Protein change: p.Gln68=; no amino-acid change (glutamine 68 retained).
Molecular consequence: synonymous variant. On other transcripts: intron variant (3).
Genome position (GRCh38, 1-based): chr15:63,044,116, G>A. VCF-style: chr15-63044116-G-A. GRCh37 (hg19) VCF-style: chr15-63336315-G-A.
Other names: c.204G>A, p.Gln68= (NM_000366.6, NM_001018004.2, NM_001018006.2 and 3 more transcripts); c.330G>A, p.Gln110= (NM_001365778.1); c.240+285G>A (NM_001018020.2, NM_001018007.2, NM_001301244.2).
Identifiers: ClinVar variation 1332447 (VCV001332447.29), dbSNP rs2140629119, ClinGen allele CA490679866.
Genomic context (GRCh38, chr15:63,044,116, plus strand): 5'-GAAACTCAAGGGCACCGAAGATGAACTGGACAAATACTCTGAGGCTCTCAAAGATGCCCA[G>A]GAGAAGCTGGAGCTGGCAGAGAAAAAGGCCACCGATGTAAGTGCACGCTCACACTGCTTC-3'
Protein context (NP_001018005.1, residues 58-78): DKYSEALKDA[Gln68=]EKLELAEKKA

ClinVar aggregate classification (germline): Likely benign. Review status: criteria provided, multiple submitters, no conflicts (2 of 4 stars). 2 submissions from 2 submitters: Likely benign (2). Last evaluated 2023-05-01.

Conditions:
Cardiomyopathy (CMYO). Also called: Cardiomyopathies. Identifiers: Orphanet 167848, MedGen C0878544, MONDO:0004994, HP:0001638. Inheritance: Various modes of inheritance.

Allele frequency attached by ClinVar (database versions not stated): gnomAD exomes below 0.00001; gnomAD 0.00001.
gnomAD v4.1: 3 of 1,614,234 alleles (0.00019%); highest among the groups gnomAD compares: Middle Eastern, 0.016%; no homozygotes.

Submissions (2):

CeGaT Center for Human Genetics Tuebingen
Classification: Likely benign. Last evaluated: 2023-05-01. Review status: criteria provided, single submitter. Criteria: CeGaT Center For Human Genetics Tuebingen Variant Classification Criteria Version 2. Collection method: clinical testing. Allele origin: germline. Affected: yes. Observed: 2 variant alleles.
Comment: TPM1: BP4, BP7

Color Diagnostics, LLC DBA Color Health
Classification: Likely benign for Cardiomyopathy. Last evaluated: 2021-02-16. Review status: criteria provided, single submitter. Criteria: ACMG Guidelines, 2015. Collection method: clinical testing. Allele origin: germline.